The following is an entry in ClinVar:

ClinVar aggregate classification (germline): Uncertain significance (1 of 4 stars; one submission).

Submission:

Women's Health and Genetics/Laboratory Corporation of America, LabCorp
Classification: Uncertain significance. Last evaluated: 2025-09-04. Review status: criteria provided, single submitter. Criteria: LabCorp Variant Classification Summary - May 2015. Collection method: clinical testing. Allele origin: germline.
Comment: Variant summary: B4GALT7 c.776_777delinsGC (p.His259Arg) results in a non-conservative amino acid change in the encoded protein sequence. Algorithms developed to predict the effect of missense changes on protein structure and function are either unavailable or do not agree on the potential impact of this missense change. The variant was absent in 281830 control chromosomes. The available data on variant occurrences in the general population are insufficient to allow any conclusion about variant significance. To our knowledge, no occurrence of c.776_777delinsGC in individuals affected with B4GALT7-related conditions and no experimental evidence demonstrating its impact on protein function have been reported. No submitters have cited clinical-significance assessments for this variant to ClinVar. Based on the evidence outlined above, the variant was classified as uncertain significance.

NM_007255.3(B4GALT7):c.776_777delinsGC (p.His259Arg)

Gene: B4GALT7 (beta-1,4-galactosyltransferase 7; plus strand). Cytogenetic location: 5q35.3.
Variant type: Indel.
Coding change: c.776_777delinsGC on transcript NM_007255.3 (MANE Select); coding-DNA positions 776 to 777, AT replaced by GC.
Protein change: p.His259Arg; replaces histidine 259 with arginine.
Molecular consequence: missense variant.
Genome position (GRCh38, 1-based): chr5:177,608,962-177,608,963, AT replaced by GC. VCF-style: chr5-177608962-AT-GC. GRCh37 (hg19) VCF-style: chr5-177035963-AT-GC.
Other names: short protein forms H259R.
Identifiers: ClinVar variation 4535807 (VCV004535807.1).